The following is an entry in ClinVar:

NM_000095.3(COMP):c.763T>C (p.Cys255Arg)

Gene: COMP (cartilage oligomeric matrix protein; minus strand). Cytogenetic location: 19p13.11.
Variant type: single nucleotide variant.
Coding change: c.763T>C on transcript NM_000095.3 (MANE Select); coding-DNA position 763, T replaced by C.
Protein change: p.Cys255Arg; replaces cysteine 255 with arginine.
Molecular consequence: missense variant.
Genome position (GRCh38, 1-based): chr19:18,788,514, A>G on the plus strand (T>C on the coding strand, the complement: COMP is on the minus strand). VCF-style: chr19-18788514-A-G. GRCh37 (hg19) VCF-style: chr19-18899323-A-G.
Other names: short protein forms C255R.
Identifiers: ClinVar variation 692048 (VCV000692048.3), dbSNP rs1601057570, ClinGen allele CA404893197.

ClinVar aggregate classification (germline): Conflicting classifications of pathogenicity. Review status: criteria provided, conflicting classifications (1 of 4 stars). 2 submissions from 2 submitters: Likely pathogenic (1); Uncertain significance (1). Last evaluated 2019-06-20.

Conditions:
Multiple epiphyseal dysplasia type 1. Also called: COMP-Related Multiple Epiphyseal Dysplasia. Identifiers: Orphanet 93308, MedGen C1838280, MONDO:0007561, OMIM 132400.

Submissions (2):

Blueprint Genetics
Classification: Uncertain significance. Last evaluated: 2019-06-20. Review status: criteria provided, single submitter. Criteria: ACMG Guidelines, 2015. Collection method: clinical testing. Allele origin: germline.

Rady Children's Institute for Genomic Medicine, Rady Children's Hospital San Diego
Classification: Likely pathogenic for EPIPHYSEAL DYSPLASIA, MULTIPLE, 1. Last evaluated: 2018-08-27. Review status: criteria provided, single submitter. Criteria: ACMG Guidelines, 2015. Collection method: clinical testing. Allele origin: germline. Affected: yes. Observed: 1 variant allele.
Comment: This variant has not been previously reported or functionally characterized in the literature to our knowledge. It is absent from the ExAC and gnomAD population databases and thus is presumed to be rare. The c.763T>C (p.Cys255Arg) variant affects a highly conserved amino acid and is predicted by multiple in silico tools to have a deleterious effect on protein function. Based on the available evidence, the c.763T>C (p.Cys255Arg) variant is classified as likely pathogenic.